The following is an entry in ClinVar:

NM_004994.3(MMP9):c.1938C>G (p.Ser646Arg)

Genes: SLC12A5-AS1 (SLC12A5 and MMP9 antisense RNA 1; minus strand), MMP9 (matrix metallopeptidase 9; plus strand), LOC130065978 (ATAC-STARR-seq lymphoblastoid silent region 12969; plus strand). Cytogenetic location: 20q13.12.
Variant type: single nucleotide variant.
Coding change: c.1938C>G on transcript NM_004994.3 (MANE Select); coding-DNA position 1938, C replaced by G.
Protein change: p.Ser646Arg; replaces serine 646 with arginine.
Molecular consequence: missense variant. On other transcripts: non-coding transcript variant (1).
Genome position (GRCh38, 1-based): chr20:46,014,407, C>G. VCF-style: chr20-46014407-C-G. GRCh37 (hg19) VCF-style: chr20-44643046-C-G.
Other names: short protein forms S646R.
Identifiers: ClinVar variation 1411123 (VCV001411123.6), dbSNP rs748693804, ClinGen allele CA9886859.

ClinVar aggregate classification (germline): Uncertain significance (1 of 4 stars; one submission).

Allele frequency attached by ClinVar (database versions not stated): gnomAD 0.00002; gnomAD exomes 0.00004; ExAC 0.00005; 1000 Genomes Project 30x 0.00016.
gnomAD v4.1: 25 of 1,549,860 alleles (0.0016%); highest among the groups gnomAD compares: East Asian, 0.024%; no homozygotes.

Submission:

Labcorp Genetics (formerly Invitae), Labcorp
Classification: Uncertain significance. Last evaluated: 2023-10-13. Review status: criteria provided, single submitter. Criteria: Invitae Variant Classification Sherloc (09022015). Collection method: clinical testing. Allele origin: germline.
Comment: This sequence change replaces serine, which is neutral and polar, with arginine, which is basic and polar, at codon 646 of the MMP9 protein (p.Ser646Arg). This variant is present in population databases (rs748693804, gnomAD 0.03%). This variant has not been reported in the literature in individuals affected with MMP9-related conditions. ClinVar contains an entry for this variant (Variation ID: 1411123). Advanced modeling of protein sequence and biophysical properties (such as structural, functional, and spatial information, amino acid conservation, physicochemical variation, residue mobility, and thermodynamic stability) performed at Invitae indicates that this missense variant is not expected to disrupt MMP9 protein function. In summary, the available evidence is currently insufficient to determine the role of this variant in disease. Therefore, it has been classified as a Variant of Uncertain Significance.